The following is an entry in ClinVar:

NM_001253697.2(ERBIN):c.538A>G (p.Met180Val)

Gene: ERBIN (erbb2 interacting protein; plus strand). Cytogenetic location: 5q12.3.
Variant type: single nucleotide variant.
Coding change: c.538A>G on transcript NM_001253697.2 (MANE Select); coding-DNA position 538, A replaced by G.
Protein change: p.Met180Val; replaces methionine 180 with valine.
Molecular consequence: missense variant.
Genome position (GRCh38, 1-based): chr5:66,021,326, A>G. VCF-style: chr5-66021326-A-G. GRCh37 (hg19) VCF-style: chr5-65317154-A-G.
Other names: c.538A>G, p.Met180Val (NM_001006600.3, NM_001253698.2, NM_001253699.2 and 2 more transcripts); short protein forms M180V.
Identifiers: ClinVar variation 1919359 (VCV001919359.5), dbSNP rs750971782, ClinGen allele CA3285966.

ClinVar aggregate classification (germline): Uncertain significance (1 of 4 stars; one submission).

Allele frequency attached by ClinVar (database versions not stated): TOPMed below 0.00001; ExAC 0.00001; gnomAD exomes 0.00001.

Submission:

Labcorp Genetics (formerly Invitae), Labcorp
Classification: Uncertain significance. Last evaluated: 2022-07-15. Review status: criteria provided, single submitter. Criteria: Invitae Variant Classification Sherloc (09022015). Collection method: clinical testing. Allele origin: germline.
Comment: In summary, the available evidence is currently insufficient to determine the role of this variant in disease. Therefore, it has been classified as a Variant of Uncertain Significance. Algorithms developed to predict the effect of missense changes on protein structure and function are either unavailable or do not agree on the potential impact of this missense change (SIFT: "Deleterious"; PolyPhen-2: "Benign"; Align-GVGD: "Class C15"). This variant has not been reported in the literature in individuals affected with ERBIN-related conditions. This variant is present in population databases (rs750971782, gnomAD 0.007%). This sequence change replaces methionine, which is neutral and non-polar, with valine, which is neutral and non-polar, at codon 180 of the ERBIN protein (p.Met180Val).